The following is an entry in ClinVar:

ClinVar aggregate classification (germline): Uncertain significance (1 of 4 stars; one submission).

Conditions:
Severe X-linked myotubular myopathy (CNMX). Also called: MYOTUBULAR MYOPATHY 1; X-linked centronuclear myopathy; Myotubular myopathy, X-linked. Identifiers: Orphanet 596, MedGen C0410203, MONDO:0010683, OMIM 310400.

Submission:

Labcorp Genetics (formerly Invitae), Labcorp
Classification: Uncertain significance for Severe X-linked myotubular myopathy. Last evaluated: 2018-09-24. Review status: criteria provided, single submitter. Criteria: Invitae Variant Classification Sherloc (09022015). Collection method: clinical testing. Allele origin: germline.
Comment: This variant, c.76_90delGGAGTCAATCGAGAT, results in the deletion of 5 amino acids of the MTM1 protein (p.Gly26_Asp30del), but otherwise preserves the integrity of the reading frame. This variant is not present in population databases (ExAC no frequency). This variant has not been reported in the literature in individuals with MTM1-related disease. Experimental studies and prediction algorithms are not available for this variant, and the functional significance of the affected amino acids is currently unknown. In summary, the available evidence is currently insufficient to determine the role of this variant in disease. Therefore, it has been classified as a Variant of Uncertain Significance.

NM_000252.3(MTM1):c.76_90del (p.Gly26_Asp30del)

Gene: MTM1 (myotubularin 1; plus strand). Cytogenetic location: Xq28.
Variant type: Deletion.
Coding change: c.76_90del on transcript NM_000252.3 (MANE Select); coding-DNA positions 76 to 90, 15 bases deleted (GGAGTCAATCGAGAT).
Protein change: p.Gly26_Asp30del.
Molecular consequence: inframe deletion.
Genome position (GRCh38, 1-based): chrX:150,596,510-150,596,524, GGAGTCAATCGAGAT deleted; deleting any 15 consecutive bases within chrX:150,596,503-150,596,524 gives the same sequence; the c. name uses the placement nearest the transcript's 3' end. VCF-style (leftmost placement, unchanged base first): chrX-150596502-CTCGAGATGGAGTCAA-C. GRCh37 (hg19) VCF-style: chrX-149764966-CTCGAGATGGAGTCAA-C.
Other names: c.76_90delGGAGTCAATCGAGAT (NM_000252.2); c.76_90del, p.Gly26_Asp30del (NM_001376906.1, NM_001376907.1, NM_001376908.1).
Identifiers: ClinVar variation 658934 (VCV000658934.1), dbSNP rs1603124011, ClinGen allele CA915952387.
Genomic context (GRCh38, chrX:150,596,502, plus strand): 5'-AAAAACAGTGTGTAAATGTAACGTCATTACTTCTGATGCATCTGTTTTGTTTCTAGACGT[CTCGAGATGGAGTCAA>C]TCGAGATCTCACTGAGGCTGTTCCTCGACTTCCAGGAGAAACACTAATCACTGGTAAGGA-3'